The following is an entry in ClinVar:

ClinVar aggregate classification (germline): Pathogenic (1 of 4 stars; one submission).

Conditions:
Neurodegeneration with brain iron accumulation 5 (NBIA5). Also called: Beta-propeller protein-associated neurodegeneration; STATIC ENCEPHALOPATHY OF CHILDHOOD WITH NEURODEGENERATION IN ADULTHOOD. Identifiers: Orphanet 329284, MedGen C3550973, MONDO:0010476, OMIM 300894.

Submission:

Labcorp Genetics (formerly Invitae), Labcorp
Classification: Pathogenic for Neurodegeneration with brain iron accumulation 5. Last evaluated: 2019-12-24. Review status: criteria provided, single submitter. Criteria: Invitae Variant Classification Sherloc (09022015). Collection method: clinical testing. Allele origin: germline.
Comment: For these reasons, this variant has been classified as Pathogenic. This sequence change creates a premature translational stop signal (p.Glu76Leufs*37) in the WDR45 gene. It is expected to result in an absent or disrupted protein product. This variant is not present in population databases (ExAC no frequency). This variant has not been reported in the literature in individuals with WDR45-related conditions. Loss-of-function variants in WDR45 are known to be pathogenic (PMID: 23176820, 24368176, 24621584, 25744623, 26790960, 27030146, 27652284, 28554332).

Literature cited by the submitters: PubMed 23176820; PubMed 24368176; PubMed 24621584; PubMed 25744623; PubMed 26790960; PubMed 27030146; PubMed 27652284; PubMed 28554332.

NM_001029896.2(WDR45):c.226_230del (p.Glu76fs)

Genes: WDR45 (WD repeat domain 45; minus strand), LOC126863256 (BRD4-independent group 4 enhancer GRCh37_chrX:48934848-48936047; plus strand). Cytogenetic location: Xp11.23.
Variant type: Deletion.
Coding change: c.226_230del on transcript NM_001029896.2 (MANE Select); coding-DNA positions 226 to 230, 5 bases deleted (GAGAT; older notation c.226_230delGAGAT).
Protein change: p.Glu76fs; shifts the reading frame from glutamic acid 76.
Molecular consequence: frameshift variant.
Genome position (GRCh38, 1-based): chrX:49,077,648-49,077,652, ATCTC deleted on the plus strand (GAGAT on the coding strand, the reverse complement: WDR45 is on the minus strand). VCF-style (leftmost placement, unchanged base first): chrX-49077647-GATCTC-G. GRCh37 (hg19) VCF-style: chrX-48935306-GATCTC-G.
Other names: c.226_230del, p.Glu76fs (NM_007075.4); short protein forms E76fs.
Identifiers: ClinVar variation 857295 (VCV000857295.9), dbSNP rs2065045334, ClinGen allele CA916083950.